The following is an entry in ClinVar:

ClinVar aggregate classification (germline): Uncertain significance (1 of 4 stars; one submission).

Allele frequency attached by ClinVar (database versions not stated): gnomAD 0.00002 and 0.00003; gnomAD exomes 0.00003 and 0.00006; TOPMed 0.00005; ExAC 0.00008.
gnomAD v4.1: 48 of 1,613,900 alleles (0.003%); highest among the groups gnomAD compares: East Asian, 0.1%; no homozygotes.

Submission:

GeneDx
Classification: Uncertain significance. Last evaluated: 2022-02-08. Review status: criteria provided, single submitter. Criteria: GeneDx Variant Classification Process June 2021. Collection method: clinical testing. Allele origin: germline. Affected: yes.
Comment: In silico analysis supports that this missense variant does not alter protein structure/function; Has not been previously published as pathogenic or benign to our knowledge

NM_016343.4(CENPF):c.7053C>A (p.Asn2351Lys)

Gene: CENPF (centromere protein F; plus strand). Cytogenetic location: 1q41.
Variant type: single nucleotide variant.
Coding change: c.7053C>A on transcript NM_016343.4 (MANE Select); coding-DNA position 7053, C replaced by A.
Protein change: p.Asn2351Lys; replaces asparagine 2351 with lysine.
Molecular consequence: missense variant.
Genome position (GRCh38, 1-based): chr1:214,646,623, C>A. VCF-style: chr1-214646623-C-A. GRCh37 (hg19) VCF-style: chr1-214819966-C-A.
Other names: short protein forms N2351K.
Identifiers: ClinVar variation 1700381 (VCV001700381.2), dbSNP rs766737817, ClinGen allele CA1391056.